The following is an entry in ClinVar:

ClinVar aggregate classification (germline): Conflicting classifications of pathogenicity. Review status: criteria provided, conflicting classifications (1 of 4 stars). 4 submissions from 4 submitters: Uncertain significance (3); Likely benign (1). Last evaluated 2026-01-26.

Conditions:
Autosomal recessive Alport syndrome (ATS2). Also called: COL4A4 Alport Syndrome and Thin Basement Membrane Nephropathy; ALPORT SYNDROME 2, AUTOSOMAL RECESSIVE; Alport syndrome type 2; COL4A3-Related Nephropathy. Identifiers: Orphanet 63, Orphanet 88919, MedGen C4746745, MONDO:0008762, OMIM 203780.
Inborn genetic diseases. Identifiers: MedGen C0950123, MeSH D030342.
Alport syndrome. Also called: Hemorrhagic familial nephritis; Hemorrhagic hereditary nephritis; Congenital hereditary hematuria. Identifiers: Orphanet 63, MedGen C1567741, MONDO:0018965.

Allele frequency attached by ClinVar (database versions not stated): TOPMed 0.00002.
gnomAD v4.1: 17 of 1,613,810 alleles (0.0011%); highest among the groups gnomAD compares: East Asian, 0.0067%; no homozygotes.

Submissions (4):

Labcorp Genetics (formerly Invitae), Labcorp
Classification: Likely benign. Last evaluated: 2026-01-26. Review status: criteria provided, single submitter. Criteria: Invitae Variant Classification Sherloc (09022015). Collection method: clinical testing. Allele origin: germline.

Ambry Genetics
Classification: Uncertain significance for Inborn genetic diseases. Last evaluated: 2025-03-25. Review status: criteria provided, single submitter. Criteria: Ambry Variant Classification Scheme 2023. Collection method: clinical testing. Allele origin: germline.

3billion
Classification: Uncertain significance for Autosomal recessive Alport syndrome. Last evaluated: 2024-11-19. Review status: criteria provided, single submitter. Criteria: ACMG Guidelines, 2015. Collection method: clinical testing. Allele origin: germline. Affected: yes.
Comment: The variant is observed at an extremely low frequency in the gnomAD v4.1.0 dataset (total allele frequency: 0.001%). Predicted Consequence/Location: Missense variant Damaging effect on gene or gene product predicted by in silico programs is uncertain [REVEL: 0.43 (damaging >=0.6, benign <0.4), 3Cnet: 0.53 (damaging >=0.6, benign <0.15)]. The variant has been reported as benign without evidence for the classification (ClinVar ID: VCV000334708). Therefore, this variant is classified as VUS according to the recommendation of ACMG/AMP guideline.

Illumina Laboratory Services, Illumina
Classification: Uncertain significance for Alport syndrome. Last evaluated: 2018-01-13. Review status: criteria provided, single submitter. Criteria: ICSL Variant Classification Criteria 13 December 2019. Collection method: clinical testing. Allele origin: germline.

NM_000092.5(COL4A4):c.3770C>T (p.Pro1257Leu)

Gene: COL4A4 (collagen type IV alpha 4 chain; minus strand). Cytogenetic location: 2q36.3.
Variant type: single nucleotide variant.
Coding change: c.3770C>T on transcript NM_000092.5 (MANE Select); coding-DNA position 3770, C replaced by T.
Protein change: p.Pro1257Leu; replaces proline 1257 with leucine.
Molecular consequence: missense variant.
Genome position (GRCh38, 1-based): chr2:227,031,992, G>A on the plus strand (C>T on the coding strand, the complement: COL4A4 is on the minus strand). VCF-style: chr2-227031992-G-A. GRCh37 (hg19) VCF-style: chr2-227896708-G-A.
Other names: short protein forms P1257L.
Identifiers: ClinVar variation 334708 (VCV000334708.11), dbSNP rs755884665, ClinGen allele CA2144424.